The following is an entry in ClinVar:

NM_001199107.2(TBC1D24):c.397G>T (p.Ala133Ser)

Gene: TBC1D24 (TBC1 domain family member 24; plus strand). Cytogenetic location: 16p13.3.
Variant type: single nucleotide variant.
Coding change: c.397G>T on transcript NM_001199107.2 (MANE Select); coding-DNA position 397, G replaced by T.
Protein change: p.Ala133Ser; replaces alanine 133 with serine.
Molecular consequence: missense variant.
Genome position (GRCh38, 1-based): chr16:2,496,545, G>T. VCF-style: chr16-2496545-G-T. GRCh37 (hg19) VCF-style: chr16-2546546-G-T.
Other names: c.397G>T (NM_001199107.1); c.397G>T, p.Ala133Ser (NM_020705.3); short protein forms A133S.
Identifiers: ClinVar variation 2073046 (VCV002073046.5), dbSNP rs770787878, ClinGen allele CA394375825.
Genomic context (GRCh38, chr16:2,496,545, plus strand): 5'-GCCGTGCGCAAGATCCTCCTGTGCCTGGCCAACCAGTTCCCCGACATCTCCTTCTGCCCC[G>T]CCCTGCCGGCCGTGGTGGCCCTGCTGCTGCACTACAGCATCGACGAGGCCGAGTGCTTCG-3'
Protein context (NP_001186036.1, residues 123-143): NQFPDISFCP[Ala133Ser]LPAVVALLLH

ClinVar aggregate classification (germline): Uncertain significance. Review status: criteria provided, multiple submitters, no conflicts (2 of 4 stars). 2 submissions from 2 submitters: Uncertain significance (2). Last evaluated 2025-11-11.

Conditions:
Inborn genetic diseases. Identifiers: MedGen C0950123, MeSH D030342.
Developmental and epileptic encephalopathy, 1 (DEE1). Also called: X-linked infantile spasms; West's syndrome; Tonic spasms with clustering, arrest of psychomotor development and hypsarrhythmia on EEG; X-Linked Infantile Spasm Syndrome; OHTAHARA SYNDROME, X-LINKED; INFANTILE SPASM SYNDROME, X-LINKED 1. Identifiers: MedGen C3463992, MONDO:0010632, OMIM 308350. Disease mechanism: loss of function.
Autosomal dominant nonsyndromic hearing loss 65. Also called: Deafness, autosomal dominant 65; TBC1D24-Related Autosomal Dominant Nonsyndromic Hearing Loss (DFNA). Identifiers: Orphanet 90635, MedGen C3892048, MONDO:0014470, OMIM 616044.

gnomAD v4.1: 1 of 1,608,326 alleles (0.000062%); highest among the groups gnomAD compares: Admixed American, 0.0017%; no homozygotes.

Submissions (2):

Ambry Genetics
Classification: Uncertain significance for Inborn genetic diseases. Last evaluated: 2025-11-11. Review status: criteria provided, single submitter. Criteria: Ambry Variant Classification Scheme 2023. Collection method: clinical testing. Allele origin: germline.
Comment: The c.397G>T (p.A133S) alteration is located in exon 2 (coding exon 1) of the TBC1D24 gene. This alteration results from a G to T substitution at nucleotide position 397, causing the alanine (A) at amino acid position 133 to be replaced by a serine (S). Based on data from gnomAD, the T allele has an overall frequency of <0.001% (1/244116) total alleles studied. The highest observed frequency was 0.003% (1/34458) of Latino alleles. Based on insufficient or conflicting evidence, the clinical significance of this alteration remains unclear.

Labcorp Genetics (formerly Invitae), Labcorp
Classification: Uncertain significance for Developmental and epileptic encephalopathy, 1; Autosomal dominant nonsyndromic hearing loss 65. Last evaluated: 2025-11-08. Review status: criteria provided, single submitter. Criteria: Invitae Variant Classification Sherloc (09022015). Collection method: clinical testing. Allele origin: germline.
Comment: This sequence change replaces alanine, which is neutral and non-polar, with serine, which is neutral and polar, at codon 133 of the TBC1D24 protein (p.Ala133Ser). The frequency data for this variant in the population databases is considered unreliable, as metrics indicate poor data quality at this position in the gnomAD database. This variant has not been reported in the literature in individuals affected with TBC1D24-related conditions. ClinVar contains an entry for this variant (Variation ID: 2073046). Invitae Evidence Modeling of protein sequence and biophysical properties (such as structural, functional, and spatial information, amino acid conservation, physicochemical variation, residue mobility, and thermodynamic stability) indicates that this missense variant is not expected to disrupt TBC1D24 protein function with a negative predictive value of 95%. In summary, the available evidence is currently insufficient to determine the role of this variant in disease. Therefore, it has been classified as a Variant of Uncertain Significance.